The following is an entry in ClinVar:

ClinVar aggregate classification (germline): Uncertain significance. Review status: criteria provided, multiple submitters, no conflicts (2 of 4 stars). 5 submissions from 5 submitters: Uncertain significance (4). 1 of the submissions does not count toward it. Last evaluated 2025-09-30.

Conditions:
Retinal dystrophy. Also called: Inherited retinal dystrophy. Identifiers: Orphanet 71862, MedGen C0854723, MeSH D058499, MONDO:0019118, HP:0000556.

Allele frequency attached by ClinVar (database versions not stated): TOPMed 0.00004; ExAC 0.00005; gnomAD 0.00005 and 0.00006; gnomAD exomes 0.00006; ESP Exome Variant Server 0.00015.
gnomAD v4.1: 60 of 1,614,082 alleles (0.0037%); highest among the groups gnomAD compares: Admixed American, 0.013%; no homozygotes.

Submissions (5):

Labcorp Genetics (formerly Invitae), Labcorp
Classification: Uncertain significance. Last evaluated: 2025-09-30. Review status: criteria provided, single submitter. Criteria: Invitae Variant Classification Sherloc (09022015). Collection method: clinical testing. Allele origin: germline.
Comment: This sequence change replaces valine, which is neutral and non-polar, with methionine, which is neutral and non-polar, at codon 569 of the SLC7A14 protein (p.Val569Met). This variant is present in population databases (rs147231592, gnomAD 0.01%). This variant has not been reported in the literature in individuals affected with SLC7A14-related conditions. ClinVar contains an entry for this variant (Variation ID: 962691). An algorithm developed to predict the effect of missense changes on protein structure and function (PolyPhen-2) suggests that this variant is likely to be disruptive. In summary, the available evidence is currently insufficient to determine the role of this variant in disease. Therefore, it has been classified as a Variant of Uncertain Significance.

Ambry Genetics
Classification: Uncertain significance. Last evaluated: 2025-06-24. Review status: criteria provided, single submitter. Criteria: Ambry Variant Classification Scheme 2023. Collection method: clinical testing. Allele origin: germline.

Blueprint Genetics
Classification: Uncertain significance. Last evaluated: 2024-07-03. Review status: criteria provided, single submitter. Criteria: ACMG Guidelines, 2015. Collection method: clinical testing. Allele origin: germline.

Dept Of Ophthalmology, Nagoya University
Classification: Uncertain significance for Retinal dystrophy. Last evaluated: 2023-10-01. Review status: criteria provided, single submitter. Criteria: Submitter's publication. Collection method: research. Allele origin: germline. Affected: yes.

Institute of Human Genetics, Univ. Regensburg, Univ. Regensburg
Classification: Uncertain significance for Retinal dystrophy. Last evaluated: 2023-01-01. Review status: no assertion criteria provided. Criteria: ACMG Guidelines, 2015. Collection method: clinical testing. Allele origin: germline. Affected: yes. Not counted in ClinVar's aggregate classification.

NM_020949.3(SLC7A14):c.1705G>A (p.Val569Met)

Genes: SLC7A14 (solute carrier family 7 member 14; minus strand), SLC7A14-AS1 (SLC7A14 antisense RNA 1; plus strand). Cytogenetic location: 3q26.2.
Variant type: single nucleotide variant.
Coding change: c.1705G>A on transcript NM_020949.3 (MANE Select); coding-DNA position 1705, G replaced by A.
Protein change: p.Val569Met; replaces valine 569 with methionine.
Molecular consequence: missense variant.
Genome position (GRCh38, 1-based): chr3:170,480,577, C>T on the plus strand (G>A on the coding strand, the complement: SLC7A14 is on the minus strand). VCF-style: chr3-170480577-C-T. GRCh37 (hg19) VCF-style: chr3-170198366-C-T.
Other names: short protein forms V569M.
Identifiers: ClinVar variation 962691 (VCV000962691.15), dbSNP rs147231592, ClinGen allele CA2701580.
Genomic context (GRCh38, chr3:170,480,577, plus strand): 5'-AGTCAGAACCAAAGATGATGAAGGAGCAGAAGATGAACATGAGGATGAAGAGCAGGAGCA[C>T]GCAGATGGTCACCGTGTGCCCCGTCGCTGCTGTGGGCCGGTCCATTTTGCCTGGAAGGCC-3'
Protein context (NP_066000.2, residues 559-579): AATGHTVTIC[Val569Met]LLLFILMFIF